The following is an entry in ClinVar:

ClinVar aggregate classification (germline): Benign. Review status: criteria provided, multiple submitters, no conflicts (2 of 4 stars). 14 submissions from 10 submitters: Benign (12). 2 of the submissions do not count toward it. Last evaluated 2026-02-03.

Conditions:
Congenital myasthenic syndrome 16. Identifiers: Orphanet 590, MedGen C3280112, MONDO:0013620, OMIM 614198.
Paramyotonia congenita of Von Eulenburg. Also called: PARALYSIS PERIODICA PARAMYOTONICA; Paramyotonia Congenita; Eulenburg disease; Myotonia congenita intermittens; Von Eulenburg paramyotonia congenita. Identifiers: Orphanet 684, MedGen C0221055, MONDO:0008195, OMIM 168300. Disease mechanism: loss of function.
Hyperkalemic periodic paralysis. Also called: Familial hyperkalemic periodic paralysis; Gamstorp disease. Identifiers: Orphanet 682, MedGen C0238357, MONDO:0008224, OMIM 170500, HP:0007215.
Hypokalemic periodic paralysis, type 2 (HOKPP2). Identifiers: Orphanet 681, MedGen C2750061, MONDO:0013234, OMIM 613345.
Potassium-aggravated myotonia. Also called: MYOTONIA CONGENITA, ACETAZOLAMIDE-RESPONSIVE; MYOTONIA CONGENITA, ATYPICAL; SODIUM CHANNEL MUSCLE DISEASE; Myotonia congenita, atypical, acetazolamide-responsive. Identifiers: Orphanet 612, Orphanet 99734, Orphanet 99735, Orphanet 99736, MedGen C2931826, MONDO:0018959, OMIM 608390.

Allele frequency attached by ClinVar (database versions not stated): 1000 Genomes Project 0.00879; gnomAD 0.01908 and 0.01961; TOPMed 0.01565; ExAC 0.01922; gnomAD exomes 0.01934 and 0.02458; ESP Exome Variant Server 0.01985; 1000 Genomes Project 30x 0.00828.

Submissions (14):

Labcorp Genetics (formerly Invitae), Labcorp
Classification: Benign for Hyperkalemic periodic paralysis. Last evaluated: 2026-02-03. Review status: criteria provided, single submitter. Criteria: Invitae Variant Classification Sherloc (09022015). Collection method: clinical testing. Allele origin: germline.

Athena Diagnostics
Classification: Benign. Last evaluated: 2024-04-15. Review status: criteria provided, single submitter. Criteria: Athena Diagnostics Criteria. Collection method: clinical testing. Allele origin: unknown.

Mayo Clinic Laboratories, Mayo Clinic
Classification: Benign. Last evaluated: 2022-05-12. Review status: criteria provided, single submitter. Criteria: ACMG Guidelines, 2015. Collection method: clinical testing. Allele origin: germline. Observed: 42 variant alleles.

Illumina Laboratory Services, Illumina
Classification: Benign for Paramyotonia congenita of Von Eulenburg. Last evaluated: 2018-01-13. Review status: criteria provided, single submitter. Criteria: ICSL Variant Classification Criteria 13 December 2019. Collection method: clinical testing. Allele origin: germline.
Comment: This variant was observed in the ICSL laboratory as part of a predisposition screen in an ostensibly healthy population. It had not been previously curated by ICSL or reported in the Human Gene Mutation Database (HGMD: prior to June 1st, 2018), and was therefore a candidate for classification through an automated scoring system. Utilizing variant allele frequency, disease prevalence and penetrance estimates, and inheritance mode, an automated score was calculated to assess if this variant is too frequent to cause the disease. Based on the score and internal cut-off values, a variant classified as benign is not then subjected to further curation. The score for this variant resulted in a classification of benign for this disease.

Illumina Laboratory Services, Illumina
Classification: Benign for Hypokalemic periodic paralysis, type 2. Last evaluated: 2018-01-13. Review status: criteria provided, single submitter. Criteria: ICSL Variant Classification Criteria 13 December 2019. Collection method: clinical testing. Allele origin: germline.
Comment: the same text as in the submission from Illumina Laboratory Services, Illumina above.

Illumina Laboratory Services, Illumina
Classification: Benign for Hyperkalemic periodic paralysis. Last evaluated: 2018-01-13. Review status: criteria provided, single submitter. Criteria: ICSL Variant Classification Criteria 13 December 2019. Collection method: clinical testing. Allele origin: germline.
Comment: the same text as in the submission from Illumina Laboratory Services, Illumina above.

Illumina Laboratory Services, Illumina
Classification: Benign for Congenital myasthenic syndrome 16. Last evaluated: 2018-01-13. Review status: criteria provided, single submitter. Criteria: ICSL Variant Classification Criteria 13 December 2019. Collection method: clinical testing. Allele origin: germline.
Comment: the same text as in the submission from Illumina Laboratory Services, Illumina above.

Illumina Laboratory Services, Illumina
Classification: Benign for Potassium-aggravated myotonia. Last evaluated: 2018-01-13. Review status: criteria provided, single submitter. Criteria: ICSL Variant Classification Criteria 13 December 2019. Collection method: clinical testing. Allele origin: germline.
Comment: the same text as in the submission from Illumina Laboratory Services, Illumina above.

GeneDx
Classification: Benign. Last evaluated: 2016-03-12. Review status: criteria provided, single submitter. Criteria: GeneDx Variant Classification (06012015). Collection method: clinical testing. Allele origin: germline. Affected: yes.
Comment: This variant is considered likely benign or benign based on one or more of the following criteria: it is a conservative change, it occurs at a poorly conserved position in the protein, it is predicted to be benign by multiple in silico algorithms, and/or has population frequency not consistent with disease.

Genetic Services Laboratory, University of Chicago
Classification: Benign for AllHighlyPenetrant. Last evaluated: 2013-08-15. Review status: criteria provided, single submitter. Criteria: ACMG Guidelines, 2007. Collection method: clinical testing. Allele origin: germline. Inheritance: Autosomal recessive inheritance.

Breakthrough Genomics
Classification: Benign. Review status: criteria provided, single submitter. Criteria: ACMG Guidelines, 2015. Collection method: not provided. Allele origin: germline. Inheritance: Autosomal recessive inheritance. Affected: yes.

PreventionGenetics, part of Exact Sciences
Classification: Benign. Review status: criteria provided, single submitter. Criteria: ACMG Guidelines, 2015. Collection method: clinical testing. Allele origin: germline.

Joint Genome Diagnostic Labs from Nijmegen and Maastricht, Radboudumc and MUMC+
Classification: Benign. Review status: no assertion criteria provided. Collection method: clinical testing. Allele origin: germline. Affected: yes. Study: VKGL Data-share Consensus. Not counted in ClinVar's aggregate classification.

Laboratory of Diagnostic Genome Analysis, Leiden University Medical Center (LUMC)
Classification: Likely benign. Review status: no assertion criteria provided. Collection method: clinical testing. Allele origin: germline. Affected: yes. Study: VKGL Data-share Consensus. Not counted in ClinVar's aggregate classification.

NM_000334.4(SCN4A):c.3759C>T (p.Ala1253=)

Genes: GH-LCR (growth hormone locus control region; plus strand), SCN4A (sodium voltage-gated channel alpha subunit 4; minus strand). Cytogenetic location: 17q23.3.
Variant type: single nucleotide variant.
Coding change: c.3759C>T on transcript NM_000334.4 (MANE Select); coding-DNA position 3759, C replaced by T.
Protein change: p.Ala1253=; no amino-acid change (alanine 1253 retained).
Molecular consequence: synonymous variant.
Genome position (GRCh38, 1-based): chr17:63,945,022, G>A on the plus strand (C>T on the coding strand, the complement: SCN4A is on the minus strand). VCF-style: chr17-63945022-G-A. GRCh37 (hg19) VCF-style: chr17-62022382-G-A.
Other names: p.Ala1253=.
Identifiers: ClinVar variation 130235 (VCV000130235.28), dbSNP rs72851170, ClinGen allele CA155079.